The following is an entry in ClinVar:

NM_001005242.3(PKP2):c.2422G>A (p.Glu808Lys)

Gene: PKP2 (plakophilin 2; minus strand). Cytogenetic location: 12p11.21.
Variant type: single nucleotide variant.
Coding change: c.2422G>A on transcript NM_001005242.3 (MANE Select); coding-DNA position 2422, G replaced by A.
Protein change: p.Glu808Lys; replaces glutamic acid 808 with lysine.
Molecular consequence: missense variant.
Genome position (GRCh38, 1-based): chr12:32,792,667, C>T on the plus strand (G>A on the coding strand, the complement: PKP2 is on the minus strand). VCF-style: chr12-32792667-C-T. GRCh37 (hg19) VCF-style: chr12-32945601-C-T.
Other names: c.2554G>A, p.Glu852Lys (NM_004572.4); short protein forms E852K, E808K.
Identifiers: ClinVar variation 180048 (VCV000180048.10), dbSNP rs727505312, ClinGen allele CA012177.
Genomic context (GRCh38, chr12:32,792,667, plus strand): 5'-CTGTTAACTATGACACATTCCTTGTTCATGTTCTTACCTTCTTGTAGGCATGATGCAGTT[C>T]CGTGTGTGCCCACAGAGAATACAGAAGGACGGAAGCAGCTTTACTTGCTTTGTTGGAGGC-3'
Protein context (NP_001005242.2, residues 798-818): VLLYSLWAHT[Glu808Lys]LHHAYKKAQF

ClinVar aggregate classification (germline): Conflicting classifications of pathogenicity. Review status: criteria provided, conflicting classifications (1 of 4 stars). 4 submissions from 4 submitters: Uncertain significance (3); Likely benign (1). Last evaluated 2025-09-19.

Conditions:
Cardiomyopathy (CMYO). Also called: Cardiomyopathies. Identifiers: Orphanet 167848, MedGen C0878544, MONDO:0004994, HP:0001638. Inheritance: Various modes of inheritance.
Arrhythmogenic right ventricular dysplasia 9 (ARVD9). Also called: Arrhythmogenic Right Ventricular Dysplasia/Cardiomyopathy 9; ARRHYTHMOGENIC RIGHT VENTRICULAR DYSPLASIA, FAMILIAL, 9. Identifiers: MedGen C1836906, MONDO:0012180, OMIM 609040.

Submissions (4):

Labcorp Genetics (formerly Invitae), Labcorp
Classification: Uncertain significance for Arrhythmogenic right ventricular dysplasia 9. Last evaluated: 2025-09-19. Review status: criteria provided, single submitter. Criteria: Invitae Variant Classification Sherloc (09022015). Collection method: clinical testing. Allele origin: germline.
Comment: This sequence change replaces glutamic acid, which is acidic and polar, with lysine, which is basic and polar, at codon 852 of the PKP2 protein (p.Glu852Lys). This variant is not present in population databases (gnomAD no frequency). This variant has not been reported in the literature in individuals affected with PKP2-related conditions. ClinVar contains an entry for this variant (Variation ID: 180048). An algorithm developed to predict the effect of missense changes on protein structure and function (PolyPhen-2) suggests that this variant is likely to be disruptive. In summary, the available evidence is currently insufficient to determine the role of this variant in disease. Therefore, it has been classified as a Variant of Uncertain Significance.

Color Diagnostics, LLC DBA Color Health
Classification: Likely benign for Cardiomyopathy. Last evaluated: 2025-06-17. Review status: criteria provided, single submitter. Criteria: ACMG Guidelines, 2015. Collection method: clinical testing. Allele origin: germline.

GeneDx
Classification: Uncertain significance. Last evaluated: 2025-06-02. Review status: criteria provided, single submitter. Criteria: GeneDx Variant Classification Process June 2021. Collection method: clinical testing. Allele origin: germline. Affected: yes.
Comment: Not observed at significant frequency in large population cohorts (gnomAD); In silico analysis supports that this missense variant has a deleterious effect on protein structure/function; Has not been previously published as pathogenic or benign to our knowledge; This variant is associated with the following publications: (PMID: 38747331)

Laboratory for Molecular Medicine, Mass General Brigham Personalized Medicine
Classification: Uncertain significance. Last evaluated: 2014-10-06. Review status: criteria provided, single submitter. Criteria: LMM Criteria. Collection method: clinical testing. Allele origin: germline. Observed: 1 variant allele.